The following is an entry in ClinVar:

NM_001458.5(FLNC):c.3353C>T (p.Ala1118Val)

Gene: FLNC (filamin C; plus strand). Cytogenetic location: 7q32.1.
Variant type: single nucleotide variant.
Coding change: c.3353C>T on transcript NM_001458.5 (MANE Select); coding-DNA position 3353, C replaced by T.
Protein change: p.Ala1118Val; replaces alanine 1118 with valine.
Molecular consequence: missense variant.
Genome position (GRCh38, 1-based): chr7:128,844,818, C>T. VCF-style: chr7-128844818-C-T. GRCh37 (hg19) VCF-style: chr7-128484872-C-T.
Other names: c.3353C>T, p.Ala1118Val (NM_001127487.2); short protein forms A1118V.
Identifiers: ClinVar variation 1488185 (VCV001488185.12), dbSNP rs780461379, ClinGen allele CA4475021.

ClinVar aggregate classification (germline): Conflicting classifications of pathogenicity. Review status: criteria provided, conflicting classifications (1 of 4 stars). 3 submissions from 3 submitters: Uncertain significance (2); Likely benign (1). Last evaluated 2024-10-08.

Conditions:
Cardiovascular phenotype. Identifiers: MedGen CN230736.
Myofibrillar myopathy 5. Also called: FILAMINOPATHY, AUTOSOMAL DOMINANT; Filaminopathy (type). Identifiers: Orphanet 171445, MedGen C1836050, MONDO:0012289, OMIM 609524.
Distal myopathy with posterior leg and anterior hand involvement. Also called: WILLIAMS DISTAL MYOPATHY. Identifiers: Orphanet 63273, MedGen C3279722, MONDO:0013550, OMIM 614065.
Hypertrophic cardiomyopathy 26. Also called: Cardiomyopathy, familial hypertrophic, 26. Identifiers: Orphanet 75249, MedGen C4310749, MONDO:0014883, OMIM 617047.

Allele frequency attached by ClinVar (database versions not stated): gnomAD exomes below 0.00001; ExAC 0.00001; TOPMed 0.00001; gnomAD 0.00003.

Submissions (3):

Ambry Genetics
Classification: Uncertain significance for Cardiovascular phenotype. Last evaluated: 2024-10-08. Review status: criteria provided, single submitter. Criteria: Ambry Variant Classification Scheme 2023. Collection method: clinical testing. Allele origin: germline.
Comment: The p.A1118V variant (also known as c.3353C>T), located in coding exon 21 of the FLNC gene, results from a C to T substitution at nucleotide position 3353. The alanine at codon 1118 is replaced by valine, an amino acid with similar properties. This amino acid position is conserved. In addition, the in silico prediction for this alteration is inconclusive. Since supporting evidence is limited at this time, the clinical significance of this alteration remains unclear.

Labcorp Genetics (formerly Invitae), Labcorp
Classification: Likely benign for Distal myopathy with posterior leg and anterior hand involvement; Myofibrillar myopathy 5; Hypertrophic cardiomyopathy 26. Last evaluated: 2024-09-12. Review status: criteria provided, single submitter. Criteria: Invitae Variant Classification Sherloc (09022015). Collection method: clinical testing. Allele origin: germline.

Revvity Omics, Revvity
Classification: Uncertain significance. Last evaluated: 2022-04-29. Review status: criteria provided, single submitter. Criteria: ACMG Guidelines, 2015. Collection method: clinical testing. Allele origin: germline.